The following is an entry in ClinVar:

NM_003718.5(CDK13):c.3605T>C (p.Leu1202Pro)

Gene: CDK13 (cyclin dependent kinase 13; plus strand). Cytogenetic location: 7p14.1.
Variant type: single nucleotide variant.
Coding change: c.3605T>C on transcript NM_003718.5 (MANE Select); coding-DNA position 3605, T replaced by C.
Protein change: p.Leu1202Pro; replaces leucine 1202 with proline.
Molecular consequence: missense variant.
Genome position (GRCh38, 1-based): chr7:40,093,154, T>C. VCF-style: chr7-40093154-T-C. GRCh37 (hg19) VCF-style: chr7-40132753-T-C.
Other names: c.3425T>C, p.Leu1142Pro (NM_031267.4); short protein forms L1142P, L1202P.
Identifiers: ClinVar variation 4885043 (VCV004885043.2).

ClinVar aggregate classification (germline): Uncertain significance (1 of 4 stars; one submission).

Submission:

Dasa
Classification: Uncertain significance. Last evaluated: 2026-01-08. Review status: criteria provided, single submitter. Criteria: DASA Assertion Criteria. Collection method: clinical testing. Allele origin: germline.
Comment: NM_003718.5(CDK13):c.3605T>C (p.Leu1202Pro) is a missense variant that results in the substitution of leucine with proline. This variant is rare in population databases. Computational prediction algorithms are consistent with a benign effect. The currently available literature and clinical evidence are not sufficient to establish a definitive association between this variant and the reported condition. Therefore, this variant is classified as a variant of uncertain significance.